The following is an entry in ClinVar:

NM_152906.7(TANGO2):c.236C>G (p.Pro79Arg)

Gene: TANGO2 (transport and golgi organization 2 homolog; plus strand). Cytogenetic location: 22q11.21.
Variant type: single nucleotide variant.
Coding change: c.236C>G on transcript NM_152906.7 (MANE Select); coding-DNA position 236, C replaced by G.
Protein change: p.Pro79Arg; replaces proline 79 with arginine.
Molecular consequence: missense variant. On other transcripts: synonymous variant (12), non-coding transcript variant (5).
Genome position (GRCh38, 1-based): chr22:20,052,555, C>G. VCF-style: chr22-20052555-C-G. GRCh37 (hg19) VCF-style: chr22-20040078-C-G.
Other names: c.236C>G, p.Pro79Arg (NM_001283106.3, NM_001283116.3, NM_001283148.3 and 10 more transcripts); c.359C>G, p.Pro120Arg (NM_001283129.3, NM_001283215.3, NM_001322141.2 and 5 more transcripts); c.57C>G, p.Ala19= (NM_001283235.3, NM_001322146.2, NM_001322148.2 and 9 more transcripts); short protein forms P120R, P79R.
Identifiers: ClinVar variation 1691006 (VCV001691006.2), dbSNP rs770262515, ClinGen allele CA410696383.

ClinVar aggregate classification (germline): Uncertain significance (1 of 4 stars; one submission).

Submission:

Laboratorio de Genetica e Diagnostico Molecular, Hospital Israelita Albert Einstein
Classification: Uncertain significance. Last evaluated: 2019-06-11. Review status: criteria provided, single submitter. Criteria: ACMG Guidelines, 2015. Collection method: clinical testing. Allele origin: germline. Affected: yes.
Comment: ACMG classification criteria: PM2, BP4